The following is an entry in ClinVar:

NM_000535.7(PMS2):c.1815del (p.Asp606fs)

Gene: PMS2 (PMS1 homolog 2, mismatch repair system component; minus strand). Cytogenetic location: 7p22.1.
Variant type: Deletion.
Coding change: c.1815del on transcript NM_000535.7 (MANE Select); coding-DNA position 1815, one base deleted (T; older notation c.1815delT).
Protein change: p.Asp606fs; shifts the reading frame from aspartic acid 606.
Molecular consequence: frameshift variant. On other transcripts: non-coding transcript variant (1), intron variant (1).
Genome position (GRCh38, 1-based): chr7:5,986,950, A deleted on the plus strand (T on the coding strand, the reverse complement: PMS2 is on the minus strand); the first of 2 consecutive A bases (chr7:5,986,950-5,986,951); deleting either gives the same sequence. VCF-style (leftmost placement, unchanged base first): chr7-5986949-CA-C. GRCh37 (hg19) VCF-style: chr7-6026580-CA-C.
Other names: c.1409delT, p.Asp471Metfs (NM_001018040.1); c.1410del, p.Asp471fs (NM_001322003.2, NM_001322004.2, NM_001322005.2 and 16 more transcripts); c.1659del, p.Asp554fs (NM_001322006.2, NM_001406870.1); c.1497del, p.Asp500fs (NM_001322007.2, NM_001322008.2, NM_001406876.1 and 2 more transcripts); c.1254del, p.Asp419fs (NM_001322010.2, NM_001406906.1, NM_001406907.1); c.882del, p.Asp295fs (NM_001322011.2, NM_001322012.2); c.1242del, p.Asp415fs (NM_001322013.2, NM_001406909.1); c.1815del, p.Asp606fs (NM_001322014.2, NM_001406871.1, NM_001406872.1); and 14 more; short protein forms D295fs, D349fs, D415fs, D419fs, D435fs, D448fs, D451fs, D471fs.
Identifiers: ClinVar variation 2674266 (VCV002674266.1), dbSNP rs2535729030, ClinGen allele CA2695198416.

ClinVar aggregate classification (germline): Pathogenic (1 of 4 stars; one submission).

Conditions:
Lynch syndrome 4 (LYNCH4). Also called: Hereditary non-polyposis colorectal cancer, type 4; Colorectal cancer, hereditary nonpolyposis, type 4. Identifiers: Orphanet 144, MedGen C1838333, MONDO:0013699, OMIM 614337. Disease mechanism: loss of function.

Submission:

Myriad Genetics, Inc.
Classification: Pathogenic for Lynch syndrome 4. Last evaluated: 2023-09-20. Review status: criteria provided, single submitter. Criteria: Myriad Autosomal Dominant, Autosomal Recessive and X-Linked Classification Criteria (2023). Collection method: clinical testing. Allele origin: unknown.
Comment: This variant is considered pathogenic. This variant creates a frameshift predicted to result in premature protein truncation.